The following is an entry in ClinVar:

NM_000059.4(BRCA2):c.5796T>A (p.His1932Gln)

Gene: BRCA2 (BRCA2 DNA repair associated; plus strand). Cytogenetic location: 13q13.1.
Variant type: single nucleotide variant.
Coding change: c.5796T>A on transcript NM_000059.4 (MANE Select); coding-DNA position 5796, T replaced by A.
Protein change: p.His1932Gln; replaces histidine 1932 with glutamine.
Molecular consequence: missense variant.
Genome position (GRCh38, 1-based): chr13:32,340,151, T>A. VCF-style: chr13-32340151-T-A. GRCh37 (hg19) VCF-style: chr13-32914288-T-A.
Other names: short protein forms H1932Q.
Identifiers: ClinVar variation 187155 (VCV000187155.16), dbSNP rs786203515, ClinGen allele CA023252.

ClinVar aggregate classification (germline): Conflicting classifications of pathogenicity. Review status: criteria provided, conflicting classifications (1 of 4 stars). 3 submissions from 3 submitters: Uncertain significance (2); Likely benign (1). Last evaluated 2025-06-13.

Conditions:
Hereditary cancer-predisposing syndrome. Also called: Neoplastic Syndromes, Hereditary; Tumor predisposition; Hereditary Cancer Syndrome; Hereditary neoplastic syndrome. Identifiers: Orphanet 140162, MedGen C0027672, MeSH D009386, MONDO:0015356.
Hereditary breast ovarian cancer syndrome. Also called: Hereditary breast and ovarian cancer; Hereditary breast and/or ovarian cancer syndrome; BRCA1- and BRCA2-Associated Hereditary Breast and Ovarian Cancer; Hereditary breast and ovarian cancer syndrome (HBOC); Hereditary breast and ovarian cancer syndrome; Breast and ovarian cancer. Identifiers: Orphanet 145, MedGen C0677776, MeSH D061325, MONDO:0003582. Disease mechanism: loss of function.

Submissions (3):

Ambry Genetics
Classification: Uncertain significance for Hereditary cancer-predisposing syndrome. Last evaluated: 2025-06-13. Review status: criteria provided, single submitter. Criteria: Ambry Variant Classification Scheme 2023. Collection method: clinical testing. Allele origin: germline.
Comment: The p.H1932Q variant (also known as c.5796T>A), located in coding exon 10 of the BRCA2 gene, results from a T to A substitution at nucleotide position 5796. The histidine at codon 1932 is replaced by glutamine, an amino acid with highly similar properties. This amino acid position is poorly conserved in available vertebrate species. In addition, this alteration is predicted to be tolerated by in silico analysis. Since supporting evidence is limited at this time, the clinical significance of this alteration remains unclear.

University of Washington Department of Laboratory Medicine, University of Washington
Classification: Likely benign for Hereditary cancer-predisposing syndrome. Last evaluated: 2023-03-23. Review status: criteria provided, single submitter. Criteria: Dines et al. (Genet Med. 2020). Collection method: curation. Allele origin: germline.
Comment: Missense variant in a coldspot region where missense variants are very unlikely to be pathogenic (PMID:31911673).

BRCA2 exon 11 coldspot. Reclassification based on statistical prior probability.

Labcorp Genetics (formerly Invitae), Labcorp
Classification: Uncertain significance for Hereditary breast ovarian cancer syndrome. Last evaluated: 2020-07-22. Review status: criteria provided, single submitter. Criteria: Invitae Variant Classification Sherloc (09022015). Collection method: clinical testing. Allele origin: germline.
Comment: In summary, the available evidence is currently insufficient to determine the role of this variant in disease. Therefore, it has been classified as a Variant of Uncertain Significance. Advanced modeling of protein sequence and biophysical properties (such as structural, functional, and spatial information, amino acid conservation, physicochemical variation, residue mobility, and thermodynamic stability) performed at Invitae indicates that this missense variant is not expected to disrupt BRCA2 protein function. This variant has not been reported in the literature in individuals with BRCA2-related conditions. ClinVar contains an entry for this variant (Variation ID: 187155). This variant is not present in population databases (ExAC no frequency). This sequence change replaces histidine with glutamine at codon 1932 of the BRCA2 protein (p.His1932Gln). The histidine residue is weakly conserved and there is a small physicochemical difference between histidine and glutamine.